The following is an entry in ClinVar:

ClinVar aggregate classification (germline): Uncertain significance. Review status: criteria provided, multiple submitters, no conflicts (2 of 4 stars). 2 submissions from 2 submitters: Uncertain significance (2). Last evaluated 2024-09-16.

Conditions:
Hereditary cancer-predisposing syndrome. Also called: Neoplastic Syndromes, Hereditary; Tumor predisposition; Hereditary Cancer Syndrome; Hereditary neoplastic syndrome. Identifiers: Orphanet 140162, MedGen C0027672, MeSH D009386, MONDO:0015356.

Allele frequency attached by ClinVar (database versions not stated): gnomAD exomes below 0.00001.
gnomAD v4.1: 1 of 1,613,956 alleles (0.000062%); highest among the groups gnomAD compares: Non-Finnish European, 0.000085%; no homozygotes.

Submissions (2):

Ambry Genetics
Classification: Uncertain significance for Hereditary cancer-predisposing syndrome. Last evaluated: 2024-09-16. Review status: criteria provided, single submitter. Criteria: Ambry Variant Classification Scheme 2023. Collection method: clinical testing. Allele origin: germline.
Comment: The p.L725P variant (also known as c.2174T>C), located in coding exon 14 of the CDH1 gene, results from a T to C substitution at nucleotide position 2174. The leucine at codon 725 is replaced by proline, an amino acid with similar properties. This amino acid position is highly conserved in available vertebrate species. In addition, this alteration is predicted to be deleterious by in silico analysis. Based on the available evidence, the clinical significance of this variant remains unclear.

Color Diagnostics, LLC DBA Color Health
Classification: Uncertain significance for Hereditary cancer-predisposing syndrome. Last evaluated: 2023-01-09. Review status: criteria provided, single submitter. Criteria: ACMG Guidelines, 2015. Collection method: clinical testing. Allele origin: germline.
Comment: This missense variant replaces leucine with proline at codon 725 of the CDH1 protein. To our knowledge, functional studies have not been reported for this variant. This variant has not been reported in individuals affected with CDH1-related disorders in the literature. This variant has not been identified in the general population by the Genome Aggregation Database (gnomAD). The available evidence is insufficient to determine the role of this variant in disease conclusively. Therefore, this variant is classified as a Variant of Uncertain Significance.

NM_004360.5(CDH1):c.2174T>C (p.Leu725Pro)

Gene: CDH1 (cadherin 1; plus strand). Cytogenetic location: 16q22.1.
Variant type: single nucleotide variant.
Coding change: c.2174T>C on transcript NM_004360.5 (MANE Select); coding-DNA position 2174, T replaced by C.
Protein change: p.Leu725Pro; replaces leucine 725 with proline.
Molecular consequence: missense variant.
Genome position (GRCh38, 1-based): chr16:68,828,183, T>C. VCF-style: chr16-68828183-T-C. GRCh37 (hg19) VCF-style: chr16-68862086-T-C.
Other names: c.1991T>C, p.Leu664Pro (NM_001317184.2); c.626T>C, p.Leu209Pro (NM_001317185.2); c.209T>C, p.Leu70Pro (NM_001317186.2); short protein forms L725P, L209P, L70P, L664P.
Identifiers: ClinVar variation 1787163 (VCV001787163.5), dbSNP rs2152141384, ClinGen allele CA396469276.